The following is an entry in ClinVar:

ClinVar aggregate classification (germline): Uncertain significance (1 of 4 stars; one submission).

Submission:

Labcorp Genetics (formerly Invitae), Labcorp
Classification: Uncertain significance. Last evaluated: 2024-12-02. Review status: criteria provided, single submitter. Criteria: Invitae Variant Classification Sherloc (09022015). Collection method: clinical testing. Allele origin: germline.
Comment: This variant occurs in a non-coding region of the EYS gene. It does not change the encoded amino acid sequence of the EYS protein. This variant is not present in population databases (gnomAD no frequency). This variant has not been reported in the literature in individuals affected with EYS-related conditions. ClinVar contains an entry for this variant (Variation ID: 2161573). In summary, the available evidence is currently insufficient to determine the role of this variant in disease. Therefore, it has been classified as a Variant of Uncertain Significance.

NM_001142800.2(EYS):c.-269A>G

Gene: EYS (EGF-like photoreceptor maintenance factor; minus strand). Cytogenetic location: 6q12.
Variant type: single nucleotide variant.
Coding change: c.-269A>G on transcript NM_001142800.2 (MANE Select); 269 bases upstream of the start codon, A replaced by G.
Molecular consequence: 5 prime UTR variant.
Genome position (GRCh38, 1-based): chr6:65,495,930, T>C on the plus strand (A>G on the coding strand, the complement: EYS is on the minus strand). VCF-style: chr6-65495930-T-C. GRCh37 (hg19) VCF-style: chr6-66205823-T-C.
Other names: c.-269A>G (NM_001142801.2, NM_001292009.2, NM_198283.2).
Identifiers: ClinVar variation 2161573 (VCV002161573.3), dbSNP rs2533032910, ClinGen allele CA2580075699.